The following is an entry in ClinVar:

NM_001029896.2(WDR45):c.640G>C (p.Gly214Arg)

Gene: WDR45 (WD repeat domain 45; minus strand). Cytogenetic location: Xp11.23.
Variant type: single nucleotide variant.
Coding change: c.640G>C on transcript NM_001029896.2 (MANE Select); coding-DNA position 640, G replaced by C.
Protein change: p.Gly214Arg; replaces glycine 214 with arginine.
Molecular consequence: missense variant.
Genome position (GRCh38, 1-based): chrX:49,075,630, C>G on the plus strand (G>C on the coding strand, the complement: WDR45 is on the minus strand). VCF-style: chrX-49075630-C-G. GRCh37 (hg19) VCF-style: chrX-48933289-C-G.
Other names: c.643G>C, p.Gly215Arg (NM_007075.4); short protein forms G215R, G214R.
Identifiers: ClinVar variation 4634706 (VCV004634706.1).

ClinVar aggregate classification (germline): Likely pathogenic (1 of 4 stars; one submission).

Conditions:
Inborn genetic diseases. Identifiers: MedGen C0950123, MeSH D030342.

Submission:

Ambry Genetics
Classification: Likely pathogenic for Inborn genetic diseases. Last evaluated: 2025-12-05. Review status: criteria provided, single submitter. Criteria: Ambry Variant Classification Scheme 2023. Collection method: clinical testing. Allele origin: germline.
Comment: The c.643G>C (p.G215R) alteration is located in exon 9 (coding exon 7) of the WDR45 gene. This alteration results from a G to C substitution at nucleotide position 643, causing the glycine (G) at amino acid position 215 to be replaced by an arginine (R). This variant was not reported in population-based cohorts in the Genome Aggregation Database (gnomAD). Other variant(s) at the same codon, c.644G>A (p.G215D), c.644G>T (p.G215V), have been identified in individual(s) with features consistent with beta-propeller protein-associated neurodegeneration (external communication). This amino acid position is highly conserved in available vertebrate species. Based on internal structural analysis, this variant is anticipated to result in a significant decrease in structural stability. This alteration is predicted to be deleterious by in silico analysis. Based on the available evidence, this alteration is classified as likely pathogenic.